The following is an entry in ClinVar:

NM_024665.7(TBL1XR1):c.1071G>A (p.Trp357Ter)

Genes: TBL1XR1 (TBL1X/Y related 1; minus strand), TBL1XR1-AS1 (TBL1XR1 antisense RNA 1; plus strand), LOC126806878 (CDK7 strongly-dependent group 2 enhancer GRCh37_chr3:176755168-176756367; plus strand). Cytogenetic location: 3q26.32.
Variant type: single nucleotide variant.
Coding change: c.1071G>A on transcript NM_024665.7 (MANE Select); coding-DNA position 1071, G replaced by A.
Protein change: p.Trp357Ter; replaces tryptophan 357 with a stop codon.
Molecular consequence: nonsense.
Genome position (GRCh38, 1-based): chr3:177,038,149, C>T on the plus strand (G>A on the coding strand, the complement: TBL1XR1 is on the minus strand). VCF-style: chr3-177038149-C-T. GRCh37 (hg19) VCF-style: chr3-176755937-C-T.
Other names: c.1071G>A, p.Trp357Ter (NM_001321193.3, NM_001321194.3, NM_001374327.1 and 2 more transcripts); c.810G>A, p.Trp270Ter (NM_001321195.3, NM_001374330.1); short protein forms W270*, W357*.
Identifiers: ClinVar variation 1076725 (VCV001076725.2), dbSNP rs2108436501, ClinGen allele CA355555083.
Genomic context (GRCh38, chr3:177,038,149, plus strand): 5'-GCAAATTACCTTTAAAGTCATGTCGTCAGAACAGGAGGCCAAGAGATTGCCAGTTGGGTC[C>T]CATTTGATAGCATTTACTTCATTCTAAAAATAATAGTAAATATTCACATTTTCATTGTAT-3'

ClinVar aggregate classification (germline): Pathogenic (1 of 4 stars; one submission).

Conditions:
Pierpont syndrome (PRPTS). Identifiers: Orphanet 487825, MedGen C1865644, MONDO:0011213, OMIM 602342.

Submission:

Labcorp Genetics (formerly Invitae), Labcorp
Classification: Pathogenic for Pierpont syndrome. Last evaluated: 2020-07-26. Review status: criteria provided, single submitter. Criteria: Invitae Variant Classification Sherloc (09022015). Collection method: clinical testing. Allele origin: germline.
Comment: This sequence change creates a premature translational stop signal (p.Trp357*) in the TBL1XR1 gene. It is expected to result in an absent or disrupted protein product. This variant is not present in population databases (ExAC no frequency). This variant has not been reported in the literature in individuals with TBL1XR1-related conditions. Loss-of-function variants in TBL1XR1 are known to be pathogenic (PMID: 23160955, 26740553, 27824329). For these reasons, this variant has been classified as Pathogenic.

Literature cited by the submitters: PubMed 23160955; PubMed 26740553; PubMed 27824329.